The following is an entry in ClinVar:

NM_000038.6(APC):c.6823A>G (p.Lys2275Glu)

Gene: APC (APC regulator of Wnt signaling pathway; plus strand). Cytogenetic location: 5q22.2.
Variant type: single nucleotide variant.
Coding change: c.6823A>G on transcript NM_000038.6 (MANE Select); coding-DNA position 6823, A replaced by G.
Protein change: p.Lys2275Glu; replaces lysine 2275 with glutamic acid.
Molecular consequence: missense variant. On other transcripts: non-coding transcript variant (2).
Genome position (GRCh38, 1-based): chr5:112,842,417, A>G. VCF-style: chr5-112842417-A-G. GRCh37 (hg19) VCF-style: chr5-112178114-A-G.
Other names: c.6823A>G, p.Lys2275Glu (NM_001127510.3, NM_001354895.2, NM_001407450.1); c.6769A>G, p.Lys2257Glu (NM_001127511.3); c.6877A>G, p.Lys2293Glu (NM_001354896.2, NM_001407447.1, NM_001407448.1 and 1 more transcripts); c.6853A>G, p.Lys2285Glu (NM_001354897.2); c.6748A>G, p.Lys2250Glu (NM_001354898.2); c.6739A>G, p.Lys2247Glu (NM_001354899.2); c.6700A>G, p.Lys2234Glu (NM_001354900.2); c.6646A>G, p.Lys2216Glu (NM_001354901.2, NM_001407453.1); and 11 more; short protein forms K1891E, K1992E, K2115E, K2146E, K2149E, K2174E, K2184E, K2192E.
Identifiers: ClinVar variation 4801514 (VCV004801514.1).

ClinVar aggregate classification (germline): Uncertain significance (1 of 4 stars; one submission).

Conditions:
Familial adenomatous polyposis 1 (FAP1). Also called: FAMILIAL ADENOMATOUS POLYPOSIS 1, ATTENUATED; POLYPOSIS, ADENOMATOUS INTESTINAL. Identifiers: MedGen C2713442, MONDO:0021056, OMIM 175100. Disease mechanism: loss of function.

Submission:

Labcorp Genetics (formerly Invitae), Labcorp
Classification: Uncertain significance for Familial adenomatous polyposis 1. Last evaluated: 2026-02-02. Review status: criteria provided, single submitter. Criteria: Invitae Variant Classification Sherloc (09022015). Collection method: clinical testing. Allele origin: germline.
Comment: This sequence change replaces lysine, which is basic and polar, with glutamic acid, which is acidic and polar, at codon 2275 of the APC protein (p.Lys2275Glu). This variant is not present in population databases (gnomAD no frequency). This variant has not been reported in the literature in individuals affected with APC-related conditions. Invitae Evidence Modeling of protein sequence and biophysical properties (such as structural, functional, and spatial information, amino acid conservation, physicochemical variation, residue mobility, and thermodynamic stability) indicates that this missense variant is not expected to disrupt APC protein function with a negative predictive value of 95%. In summary, the available evidence is currently insufficient to determine the role of this variant in disease. Therefore, it has been classified as a Variant of Uncertain Significance.